The following is an entry in ClinVar:

ClinVar aggregate classification (germline): Uncertain significance (1 of 4 stars; one submission).

Submission:

Labcorp Genetics (formerly Invitae), Labcorp
Classification: Uncertain significance. Last evaluated: 2022-06-13. Review status: criteria provided, single submitter. Criteria: Invitae Variant Classification Sherloc (09022015). Collection method: clinical testing. Allele origin: germline.
Comment: In summary, the available evidence is currently insufficient to determine the role of this variant in disease. Therefore, it has been classified as a Variant of Uncertain Significance. Algorithms developed to predict the effect of missense changes on protein structure and function (SIFT, PolyPhen-2, Align-GVGD) all suggest that this variant is likely to be tolerated. This variant has not been reported in the literature in individuals affected with TOP2B-related conditions. This variant is not present in population databases (gnomAD no frequency). This sequence change replaces valine, which is neutral and non-polar, with aspartic acid, which is acidic and polar, at codon 1615 of the TOP2B protein (p.Val1615Asp).

NM_001330700.2(TOP2B):c.4859T>A (p.Val1620Asp)

Gene: TOP2B (DNA topoisomerase II beta; minus strand). Cytogenetic location: 3p24.2.
Variant type: single nucleotide variant.
Coding change: c.4859T>A on transcript NM_001330700.2 (MANE Select); coding-DNA position 4859, T replaced by A.
Protein change: p.Val1620Asp; replaces valine 1620 with aspartic acid.
Molecular consequence: missense variant.
Genome position (GRCh38, 1-based): chr3:25,598,329, A>T on the plus strand (T>A on the coding strand, the complement: TOP2B is on the minus strand). VCF-style: chr3-25598329-A-T. GRCh37 (hg19) VCF-style: chr3-25639820-A-T.
Other names: c.4844T>A, p.Val1615Asp (NM_001068.3); short protein forms V1615D, V1620D.
Identifiers: ClinVar variation 1501397 (VCV001501397.8), dbSNP rs2125336745, ClinGen allele CA351889544.